The following is an entry in ClinVar:

NM_145698.5(ACBD5):c.1525G>T (p.Ala509Ser)

Gene: ACBD5 (acyl-CoA binding domain containing 5; minus strand). Cytogenetic location: 10p12.1.
Variant type: single nucleotide variant.
Coding change: c.1525G>T on transcript NM_145698.5 (MANE Select); coding-DNA position 1525, G replaced by T.
Protein change: p.Ala509Ser; replaces alanine 509 with serine.
Molecular consequence: missense variant.
Genome position (GRCh38, 1-based): chr10:27,204,480, C>A on the plus strand (G>T on the coding strand, the complement: ACBD5 is on the minus strand). VCF-style: chr10-27204480-C-A. GRCh37 (hg19) VCF-style: chr10-27493409-C-A.
Other names: c.1420G>T, p.Ala474Ser (NM_001042473.4, NM_001352577.2, NM_001352578.2 and 1 more transcripts); c.1519G>T, p.Ala507Ser (NM_001271512.3); c.1198G>T, p.Ala400Ser (NM_001301251.2, NM_001301252.2, NM_001301253.2 and 2 more transcripts); c.994G>T, p.Ala332Ser (NM_001301254.2); c.1579G>T, p.Ala527Ser (NM_001352568.1); c.1558G>T, p.Ala520Ser (NM_001352569.1); c.1525G>T, p.Ala509Ser (NM_001352570.1); c.1552G>T, p.Ala518Ser (NM_001352571.1); and 10 more; short protein forms A406S, A441S, A456S, A509S, A518S, A520S, A400S, A439S.
Identifiers: ClinVar variation 1037279 (VCV001037279.8), dbSNP rs746329483, ClinGen allele CA5450615.
Genomic context (GRCh38, chr10:27,204,480, plus strand): 5'-AATGATGAAACTGGTCTTACCTTCTCCTTCTTTGATAGTATAAATACACCAACCACTGTG[C>A]AATAAAAGGCCATATGATGGCAAACGTTAGCACACCAGGAGACATCTCGAAGGGCCACCA-3'
Protein context (NP_663736.2, residues 499-519): LTFAIIWPFI[Ala509Ser]QWLVYLYYQR

ClinVar aggregate classification (germline): Uncertain significance (1 of 4 stars; one submission).

Allele frequency attached by ClinVar (database versions not stated): gnomAD exomes below 0.00001; ExAC 0.00001.
gnomAD v4.1: 1 of 1,613,952 alleles (0.000062%); highest among the groups gnomAD compares: East Asian, 0.0022%; no homozygotes.

Submission:

Labcorp Genetics (formerly Invitae), Labcorp
Classification: Uncertain significance. Last evaluated: 2025-08-21. Review status: criteria provided, single submitter. Criteria: Invitae Variant Classification Sherloc (09022015). Collection method: clinical testing. Allele origin: germline.
Comment: This sequence change replaces alanine, which is neutral and non-polar, with serine, which is neutral and polar, at codon 509 of the ACBD5 protein (p.Ala509Ser). This variant is present in population databases (rs746329483, gnomAD 0.006%). This variant has not been reported in the literature in individuals affected with ACBD5-related conditions. ClinVar contains an entry for this variant (Variation ID: 1037279). Invitae Evidence Modeling of protein sequence and biophysical properties (such as structural, functional, and spatial information, amino acid conservation, physicochemical variation, residue mobility, and thermodynamic stability) indicates that this missense variant is not expected to disrupt ACBD5 protein function with a negative predictive value of 80%. In summary, the available evidence is currently insufficient to determine the role of this variant in disease. Therefore, it has been classified as a Variant of Uncertain Significance.